The following is an entry in ClinVar:

NM_002476.2(MYL4):c.60_71del (p.16AP[6])

Gene: MYL4 (myosin light chain 4; plus strand). Cytogenetic location: 17q21.32.
Variant type: Deletion.
Coding change: c.60_71del on transcript NM_002476.2 (MANE Select); coding-DNA positions 60 to 71, 12 bases deleted (TCCAGCCCCTGC).
Protein change: p.16AP[6].
Molecular consequence: inframe deletion.
Genome position (GRCh38, 1-based): chr17:47,209,482-47,209,493, TCCAGCCCCTGC deleted; deleting any 12 consecutive bases within chr17:47,209,480-47,209,493 gives the same sequence; the c. name uses the placement nearest the transcript's 3' end. VCF-style (leftmost placement, unchanged base first): chr17-47209479-AGCTCCAGCCCCT-A. GRCh37 (hg19) VCF-style: chr17-45286845-AGCTCCAGCCCCT-A.
Other names: c.60_71del, p.16AP[6] (NM_001002841.2).
Identifiers: ClinVar variation 2731438 (VCV002731438.3), dbSNP rs1397831739, ClinGen allele CA626381531.

ClinVar aggregate classification (germline): Uncertain significance (1 of 4 stars; one submission).

Conditions:
Atrial fibrillation, familial, 18 (ATFB18). Identifiers: MedGen C4310636, MONDO:0015001, OMIM 617280.

Submission:

Labcorp Genetics (formerly Invitae), Labcorp
Classification: Uncertain significance for Atrial fibrillation, familial, 18. Last evaluated: 2025-12-26. Review status: criteria provided, single submitter. Criteria: Invitae Variant Classification Sherloc (09022015). Collection method: clinical testing. Allele origin: germline.
Comment: This variant, c.60_71del, results in the deletion of 4 amino acid(s) of the MYL4 protein (p.Ala28_Pro31del), but otherwise preserves the integrity of the reading frame. This variant is present in population databases (no rsID available, gnomAD 0.01%). This variant has not been reported in the literature in individuals affected with MYL4-related conditions. ClinVar contains an entry for this variant (Variation ID: 2731438). Experimental studies and prediction algorithms are not available or were not evaluated, and the functional significance of this variant is currently unknown. In summary, the available evidence is currently insufficient to determine the role of this variant in disease. Therefore, it has been classified as a Variant of Uncertain Significance.